The following is an entry in ClinVar:

NM_004380.3(CREBBP):c.414C>T (p.Ala138=)

Gene: CREBBP (CREB binding lysine acetyltransferase; minus strand). Cytogenetic location: 16p13.3.
Variant type: single nucleotide variant.
Coding change: c.414C>T on transcript NM_004380.3 (MANE Select); coding-DNA position 414, C replaced by T.
Protein change: p.Ala138=; no amino-acid change (alanine 138 retained).
Molecular consequence: synonymous variant.
Genome position (GRCh38, 1-based): chr16:3,850,681, G>A on the plus strand (C>T on the coding strand, the complement: CREBBP is on the minus strand). VCF-style: chr16-3850681-G-A. GRCh37 (hg19) VCF-style: chr16-3900682-G-A.
Other names: c.414C>T, p.Ala138= (NM_001079846.1).
Identifiers: ClinVar variation 589608 (VCV000589608.12), dbSNP rs542552676, ClinGen allele CA7870682.

ClinVar aggregate classification (germline): Benign/Likely benign. Review status: criteria provided, multiple submitters, no conflicts (2 of 4 stars). 3 submissions from 3 submitters: Benign (1); Likely benign (1). 1 of the submissions does not count toward it. Last evaluated 2025-09-26.

Conditions:
Inborn genetic diseases. Identifiers: MedGen C0950123, MeSH D030342.
Rubinstein-Taybi syndrome (RSTS). Identifiers: Orphanet 783, MedGen C0035934, MONDO:0019188.
CREBBP-related disorder. Also called: CREBBP-related disorders; CREBBP-related condition.

Allele frequency attached by ClinVar (database versions not stated): gnomAD 0.00005 and 0.00006; 1000 Genomes Project 30x 0.00016; ExAC 0.00019; 1000 Genomes Project 0.00020; gnomAD exomes 0.00022; TOPMed 0.00023.
gnomAD v4.1: 79 of 1,614,174 alleles (0.0049%); highest among the groups gnomAD compares: East Asian, 0.12%; no homozygotes.

Submissions (3):

Labcorp Genetics (formerly Invitae), Labcorp
Classification: Benign for Rubinstein-Taybi syndrome. Last evaluated: 2025-09-26. Review status: criteria provided, single submitter. Criteria: Invitae Variant Classification Sherloc (09022015). Collection method: clinical testing. Allele origin: germline.

Ambry Genetics
Classification: Likely benign for Inborn genetic diseases. Last evaluated: 2017-04-13. Review status: criteria provided, single submitter. Criteria: Ambry Variant Classification Scheme 2023. Collection method: clinical testing. Allele origin: germline.

PreventionGenetics, part of Exact Sciences
Classification: Likely benign for CREBBP-related condition. Last evaluated: 2023-08-25. Review status: no assertion criteria provided. Collection method: clinical testing. Allele origin: germline. Not counted in ClinVar's aggregate classification.
Comment: This variant is classified as likely benign based on ACMG/AMP sequence variant interpretation guidelines (Richards et al. 2015 PMID: 25741868, with internal and published modifications).